The following is an entry in ClinVar:

NM_001042492.3(NF1):c.5461del (p.Val1821fs)

Gene: NF1 (neurofibromin 1; plus strand). Cytogenetic location: 17q11.2.
Variant type: Deletion.
Coding change: c.5461del on transcript NM_001042492.3 (MANE Select); coding-DNA position 5461, one base deleted (G; older notation c.5461delG).
Protein change: p.Val1821fs; shifts the reading frame from valine 1821.
Molecular consequence: frameshift variant.
Genome position (GRCh38, 1-based): chr17:31,327,691, G deleted. VCF-style (leftmost placement, unchanged base first): chr17-31327690-TG-T. GRCh37 (hg19) VCF-style: chr17-29654708-TG-T.
Other names: c.5398delG, p.Val1800Serfs (NM_000267.4); c.5398delG (NM_000267.3); short protein forms V1821fs, V1800fs.
Identifiers: ClinVar variation 569647 (VCV000569647.5), dbSNP rs1567612531, ClinGen allele CA891844397.
Genomic context (GRCh38, chr17:31,327,690, plus strand): 5'-CTTAACCATTGCAAACCAGGGCACGCCGCTCACCTTCATGCACCAGGAGTGTGAAGCCAT[TG>T]TCCAGTCTATCATTCATATCCGGACCCGCTGGGAACTGTCACAGCCCGACTCTATCCCCC-3'

ClinVar aggregate classification (germline): Pathogenic (1 of 4 stars; one submission).

Conditions:
Neurofibromatosis, type 1 (NF1). Also called: Peripheral type neurofibromatosis; VON RECKLINGHAUSEN DISEASE; Neurofibromatosis, type I; NEUROFIBROMATOSIS, TYPE I, SOMATIC. Identifiers: Orphanet 636, MedGen C0027831, MONDO:0018975, OMIM 162200. Disease mechanism: loss of function.

Submission:

Labcorp Genetics (formerly Invitae), Labcorp
Classification: Pathogenic for Neurofibromatosis, type 1. Last evaluated: 2020-07-10. Review status: criteria provided, single submitter. Criteria: Invitae Variant Classification Sherloc (09022015). Collection method: clinical testing. Allele origin: germline.
Comment: For these reasons, this variant has been classified as Pathogenic. Loss-of-function variants in NF1 are known to be pathogenic (PMID: 10712197, 23913538). This variant has not been reported in the literature in individuals with NF1-related conditions. ClinVar contains an entry for this variant (Variation ID: 569647). This variant is not present in population databases (ExAC no frequency). This sequence change creates a premature translational stop signal (p.Val1800Serfs*42) in the NF1 gene. It is expected to result in an absent or disrupted protein product.

Literature cited by the submitters: PubMed 10712197; PubMed 23913538.